The following is an entry in ClinVar:

ClinVar aggregate classification (germline): Uncertain significance. Review status: criteria provided, multiple submitters, no conflicts (2 of 4 stars). 2 submissions from 2 submitters: Uncertain significance (2). Last evaluated 2024-06-19.

Conditions:
Inborn genetic diseases. Identifiers: MedGen C0950123, MeSH D030342.

Allele frequency attached by ClinVar (database versions not stated): TOPMed 0.00003.

Submissions (2):

Labcorp Genetics (formerly Invitae), Labcorp
Classification: Uncertain significance. Last evaluated: 2024-06-19. Review status: criteria provided, single submitter. Criteria: Invitae Variant Classification Sherloc (09022015). Collection method: clinical testing. Allele origin: germline.
Comment: This sequence change replaces proline, which is neutral and non-polar, with serine, which is neutral and polar, at codon 415 of the FAR1 protein (p.Pro415Ser). This variant is not present in population databases (gnomAD no frequency). This variant has not been reported in the literature in individuals affected with FAR1-related conditions. ClinVar contains an entry for this variant (Variation ID: 1375109). Advanced modeling of protein sequence and biophysical properties (such as structural, functional, and spatial information, amino acid conservation, physicochemical variation, residue mobility, and thermodynamic stability) performed at Invitae indicates that this missense variant is not expected to disrupt FAR1 protein function with a negative predictive value of 80%. In summary, the available evidence is currently insufficient to determine the role of this variant in disease. Therefore, it has been classified as a Variant of Uncertain Significance.

Ambry Genetics
Classification: Uncertain significance for Inborn genetic diseases. Last evaluated: 2023-11-13. Review status: criteria provided, single submitter. Criteria: Ambry Variant Classification Scheme 2023. Collection method: clinical testing. Allele origin: germline.

NM_032228.6(FAR1):c.1243C>T (p.Pro415Ser)

Gene: FAR1 (fatty acyl-CoA reductase 1; plus strand). Cytogenetic location: 11p15.3.
Variant type: single nucleotide variant.
Coding change: c.1243C>T on transcript NM_032228.6 (MANE Select); coding-DNA position 1243, C replaced by T.
Protein change: p.Pro415Ser; replaces proline 415 with serine.
Molecular consequence: missense variant.
Genome position (GRCh38, 1-based): chr11:13,721,845, C>T. VCF-style: chr11-13721845-C-T. GRCh37 (hg19) VCF-style: chr11-13743392-C-T.
Other names: c.1243C>T (NM_032228.5); short protein forms P415S.
Identifiers: ClinVar variation 1375109 (VCV001375109.9), dbSNP rs913888324, ClinGen allele CA218131802.